The following is an entry in ClinVar:

NM_001376.5(DYNC1H1):c.11206G>A (p.Gly3736Arg)

Gene: DYNC1H1 (dynein cytoplasmic 1 heavy chain 1; plus strand). Cytogenetic location: 14q32.31.
Variant type: single nucleotide variant.
Coding change: c.11206G>A on transcript NM_001376.5 (MANE Select); coding-DNA position 11206, G replaced by A.
Protein change: p.Gly3736Arg; replaces glycine 3736 with arginine.
Molecular consequence: missense variant.
Genome position (GRCh38, 1-based): chr14:102,038,848, G>A. VCF-style: chr14-102038848-G-A. GRCh37 (hg19) VCF-style: chr14-102505185-G-A.
Other names: short protein forms G3736R.
Identifiers: ClinVar variation 1020686 (VCV001020686.8), dbSNP rs2048608382, ClinGen allele CA391032835.

ClinVar aggregate classification (germline): Uncertain significance (1 of 4 stars; one submission).

Conditions:
Charcot-Marie-Tooth disease axonal type 2O. Also called: CHARCOT-MARIE-TOOTH NEUROPATHY, AXONAL, TYPE 2O; CHARCOT-MARIE-TOOTH DISEASE, AXONAL, AUTOSOMAL DOMINANT, TYPE 2O; Charcot-Marie-Tooth Neuropathy Type 2O; Charcot-Marie-Tooth disease, axonal, type 20. Identifiers: Orphanet 284232, MedGen C3280220, MONDO:0013644, OMIM 614228.

Submission:

Labcorp Genetics (formerly Invitae), Labcorp
Classification: Uncertain significance for Charcot-Marie-Tooth disease axonal type 2O. Last evaluated: 2020-07-26. Review status: criteria provided, single submitter. Criteria: Invitae Variant Classification Sherloc (09022015). Collection method: clinical testing. Allele origin: germline.
Comment: This variant is not present in population databases (ExAC no frequency). This sequence change replaces glycine with arginine at codon 3736 of the DYNC1H1 protein (p.Gly3736Arg). The glycine residue is highly conserved and there is a moderate physicochemical difference between glycine and arginine. This variant has not been reported in the literature in individuals with DYNC1H1-related conditions. Algorithms developed to predict the effect of missense changes on protein structure and function (SIFT, PolyPhen-2, Align-GVGD) all suggest that this variant is likely to be disruptive, but these predictions have not been confirmed by published functional studies and their clinical significance is uncertain. Algorithms developed to predict the effect of sequence changes on RNA splicing suggest that this variant may disrupt the consensus splice site, but this prediction has not been confirmed by published transcriptional studies. In summary, the available evidence is currently insufficient to determine the role of this variant in disease. Therefore, it has been classified as a Variant of Uncertain Significance.